The following is an entry in ClinVar:

NM_001927.4(DES):c.1013_1014delinsGC (p.Leu338Arg)

Gene: DES (desmin; plus strand). Cytogenetic location: 2q35.
Variant type: Indel.
Coding change: c.1013_1014delinsGC on transcript NM_001927.4 (MANE Select); coding-DNA positions 1013 to 1014, TG replaced by GC.
Protein change: p.Leu338Arg; replaces leucine 338 with arginine.
Molecular consequence: missense variant. On other transcripts: intron variant (1).
Genome position (GRCh38, 1-based): chr2:219,420,943-219,420,944, TG replaced by GC. VCF-style: chr2-219420943-TG-GC. GRCh37 (hg19) VCF-style: chr2-220285665-TG-GC.
Other names: c.1010_1011delinsGC, p.Leu337Arg (NM_001382708.1); c.1013_1014delinsGC, p.Leu338Arg (NM_001382710.1, NM_001382711.1, NM_001382712.1); c.743_744delinsGC, p.Leu248Arg (NM_001382713.1); c.736-541_736-540delinsGC (NM_001382709.1); short protein forms L337R, L248R, L338R.
Identifiers: ClinVar variation 2941643 (VCV002941643.3), dbSNP rs2545253453, ClinGen allele CA2740096450.

ClinVar aggregate classification (germline): Pathogenic (1 of 4 stars; one submission).

Conditions:
Desmin-related myofibrillar myopathy (MFM1). Also called: Desminopathy; Desmin related myopathy (former name); Desmin storage myopathy (former name); MYOFIBRILLAR MYOPATHY WITH ARRHYTHMOGENIC RIGHT VENTRICULAR CARDIOMYOPATHY; DESMIN-RELATED MYOPATHY WITH ARRHYTHMOGENIC RIGHT VENTRICULAR CARDIOMYOPATHY; Myofibrillar myopathy 1. Identifiers: Orphanet 363543, Orphanet 98909, MedGen C1832370, MONDO:0011076, OMIM 601419.

Submission:

Labcorp Genetics (formerly Invitae), Labcorp
Classification: Pathogenic for Desmin-related myofibrillar myopathy. Last evaluated: 2023-03-07. Review status: criteria provided, single submitter. Criteria: Invitae Variant Classification Sherloc (09022015). Collection method: clinical testing. Allele origin: germline.
Comment: This variant disrupts the p.Leu338 amino acid residue in DES. Other variant(s) that disrupt this residue have been determined to be pathogenic (Invitae). This suggests that this residue is clinically significant, and that variants that disrupt this residue are likely to be disease-causing. For these reasons, this variant has been classified as Pathogenic. An algorithm developed to predict the effect of missense changes on protein structure and function (PolyPhen-2) suggests that this variant is likely to be disruptive. A different variant (c.1013T>G) giving rise to the same protein effect has been determined to be pathogenic (PMID: 16865695, 18765652, 19181099). This suggests that this variant is also likely to be causative of disease. Information on the frequency of this variant in the gnomAD database is not available, as this variant may be reported differently in the database. This sequence change replaces leucine, which is neutral and non-polar, with arginine, which is basic and polar, at codon 338 of the DES protein (p.Leu338Arg).

Literature cited by the submitters: PubMed 16865695; PubMed 18765652; PubMed 19181099.